The following is an entry in ClinVar:

NM_001159702.3(FHL1):c.833C>T (p.Ser278Leu)

Gene: FHL1 (four and a half LIM domains 1; plus strand). Cytogenetic location: Xq26.3.
Variant type: single nucleotide variant.
Coding change: c.833C>T on transcript NM_001159702.3 (MANE Plus Clinical); coding-DNA position 833, C replaced by T.
Protein change: p.Ser278Leu; replaces serine 278 with leucine.
Molecular consequence: missense variant. On other transcripts: intron variant (11).
Genome position (GRCh38, 1-based): chrX:136,209,387, C>T. VCF-style: chrX-136209387-C-T. GRCh37 (hg19) VCF-style: chrX-135291546-C-T.
Other names: c.833C>T, p.Ser278Leu (NM_001369326.1, NM_001369327.2, NM_001369328.1); c.689-484C>T (NM_001449.5, NM_001369329.1, NM_001369330.1 and 4 more transcripts); c.502-484C>T (NM_001159703.2); c.776-484C>T (NM_001159701.2); c.737-484C>T (NM_001159699.2); c.550-484C>T (NM_001330659.2); short protein forms S278L.
Identifiers: ClinVar variation 1311363 (VCV001311363.2), dbSNP rs2148381652, ClinGen allele CA414609444.

ClinVar aggregate classification (germline): Uncertain significance (1 of 4 stars; one submission).

Submission:

GeneDx
Classification: Uncertain significance. Last evaluated: 2020-01-03. Review status: criteria provided, single submitter. Criteria: GeneDx Variant Classification Process June 2021. Collection method: clinical testing. Allele origin: germline. Affected: yes.
Comment: Has not been previously published as pathogenic or benign to our knowledge; Not observed in large population cohorts (Lek et al., 2016); In silico analysis, which includes splice predictors and evolutionary conservation, supports that this variant does not alter protein structure/function